The following is an entry in ClinVar:

ClinVar aggregate classification (germline): Benign. Review status: criteria provided, multiple submitters, no conflicts (2 of 4 stars). 2 submissions from 2 submitters: Benign (2). Last evaluated 2018-06-14.

Allele frequency attached by ClinVar (database versions not stated): 1000 Genomes Project 0.12061; 1000 Genomes Project 30x 0.12601; gnomAD 0.13635 and 0.14039; TOPMed 0.14133.
gnomAD v4.1: 156,753 of 1,446,944 alleles (11%); highest among the groups gnomAD compares: African/African-American, 23%; 9,488 homozygotes.

Submissions (2):

GeneDx
Classification: Benign. Last evaluated: 2018-06-14. Review status: criteria provided, single submitter. Criteria: GeneDx Variant Classification (06012015). Collection method: clinical testing. Allele origin: germline. Affected: yes.
Comment: This variant is considered likely benign or benign based on one or more of the following criteria: it is a conservative change, it occurs at a poorly conserved position in the protein, it is predicted to be benign by multiple in silico algorithms, and/or has population frequency not consistent with disease.

Breakthrough Genomics
Classification: Benign. Review status: criteria provided, single submitter. Criteria: ACMG Guidelines, 2015. Collection method: not provided. Allele origin: germline. Inheritance: Autosomal recessive inheritance. Affected: yes.

NM_001083961.2(WDR62):c.2467+108G>A

Gene: WDR62 (WD repeat domain 62; plus strand). Cytogenetic location: 19q13.12.
Variant type: single nucleotide variant.
Coding change: c.2467+108G>A on transcript NM_001083961.2 (MANE Select); 108 bases into the intron after coding-DNA position 2467, G replaced by A.
Molecular consequence: intron variant.
Genome position (GRCh38, 1-based): chr19:36,094,272, G>A. VCF-style: chr19-36094272-G-A. GRCh37 (hg19) VCF-style: chr19-36585174-G-A.
Other names: c.2467+108G>A (NM_173636.5).
Identifiers: ClinVar variation 670283 (VCV000670283.2), dbSNP rs62109756, ClinGen allele CA14731571.
Genomic context (GRCh38, chr19:36,094,272, plus strand): 5'-TGCTGGGTTTTGCCCATGACCTTGTTTACAGGGCCTGGCACATATTAAAACTCAGGAGTC[G>A]ACAGGGTGCGGTGGCTGATACCTGTAATCCCAGCACTTTGGGAGGCCGAGGTGGGTGGAT-3'